The following is an entry in ClinVar:

ClinVar aggregate classification (germline): Uncertain significance (1 of 4 stars; one submission).

Conditions:
Hereditary cancer-predisposing syndrome. Also called: Neoplastic Syndromes, Hereditary; Tumor predisposition; Hereditary Cancer Syndrome; Hereditary neoplastic syndrome. Identifiers: Orphanet 140162, MedGen C0027672, MeSH D009386, MONDO:0015356.

Allele frequency attached by ClinVar (database versions not stated): gnomAD exomes below 0.00001.
gnomAD v4.1: 1 of 1,614,212 alleles (0.000062%); highest among the groups gnomAD compares: Non-Finnish European, 0.000085%; no homozygotes.

Submission:

Ambry Genetics
Classification: Uncertain significance for Hereditary cancer-predisposing syndrome. Last evaluated: 2021-05-26. Review status: criteria provided, single submitter. Criteria: Ambry Variant Classification Scheme 2023. Collection method: clinical testing. Allele origin: germline.
Comment: The p.N1092H variant (also known as c.3274A>C), located in coding exon 20 of the RET gene, results from an A to C substitution at nucleotide position 3274. The asparagine at codon 1092 is replaced by histidine, an amino acid with similar properties. This amino acid position is highly conserved in available vertebrate species. In addition, the in silico prediction for this alteration is inconclusive. Since supporting evidence is limited at this time, the clinical significance of this alteration remains unclear.

NM_020975.6(RET):c.3274A>C (p.Asn1092His)

Gene: RET (ret proto-oncogene; plus strand). Cytogenetic location: 10q11.21.
Variant type: single nucleotide variant.
Coding change: c.3274A>C on transcript NM_020975.6 (MANE Select); coding-DNA position 3274, A replaced by C.
Protein change: p.Asn1092His; replaces asparagine 1092 with histidine.
Molecular consequence: missense variant.
Genome position (GRCh38, 1-based): chr10:43,128,198, A>C. VCF-style: chr10-43128198-A-C. GRCh37 (hg19) VCF-style: chr10-43623646-A-C.
Other names: c.3274A>C, p.Asn1092His (NM_000323.2, NM_001406743.1); c.*1444A>C (NM_001355216.2, NM_001406764.1, NM_001406765.1 and 15 more transcripts); c.3214A>C, p.Asn1072His (NM_001406759.1, NM_001406760.1); c.3145A>C, p.Asn1049His (NM_001406761.1, NM_001406762.1); c.3139A>C, p.Asn1047His (NM_001406763.1); c.2986A>C, p.Asn996His (NM_001406766.1, NM_001406767.1); c.2878A>C, p.Asn960His (NM_001406769.1); c.2836A>C, p.Asn946His (NM_001406771.1); and 7 more; short protein forms N830H, N1047H, N1072H, N750H, N946H, N1049H, N1092H, N793H.
Identifiers: ClinVar variation 1729651 (VCV001729651.2), dbSNP rs2538662034, ClinGen allele CA376559087.